The following is an entry in ClinVar:

ClinVar aggregate classification (germline): Uncertain significance (1 of 4 stars; one submission).

Allele frequency attached by ClinVar (database versions not stated): gnomAD exomes 0.00001.
gnomAD v4.1: 9 of 1,583,368 alleles (0.00057%); highest among the groups gnomAD compares: Non-Finnish European, 0.00077%; no homozygotes.

Submission:

Labcorp Genetics (formerly Invitae), Labcorp
Classification: Uncertain significance. Last evaluated: 2024-07-01. Review status: criteria provided, single submitter. Criteria: Invitae Variant Classification Sherloc (09022015). Collection method: clinical testing. Allele origin: germline.
Comment: This sequence change replaces alanine, which is neutral and non-polar, with valine, which is neutral and non-polar, at codon 508 of the ACAN protein (p.Ala508Val). This variant is not present in population databases (gnomAD no frequency). This variant has not been reported in the literature in individuals affected with ACAN-related conditions. ClinVar contains an entry for this variant (Variation ID: 1376209). Advanced modeling of protein sequence and biophysical properties (such as structural, functional, and spatial information, amino acid conservation, physicochemical variation, residue mobility, and thermodynamic stability) performed at Invitae indicates that this missense variant is not expected to disrupt ACAN protein function with a negative predictive value of 80%. In summary, the available evidence is currently insufficient to determine the role of this variant in disease. Therefore, it has been classified as a Variant of Uncertain Significance.

NM_001369268.1(ACAN):c.1523C>T (p.Ala508Val)

Gene: ACAN (aggrecan; plus strand). Cytogenetic location: 15q26.1.
Variant type: single nucleotide variant.
Coding change: c.1523C>T on transcript NM_001369268.1 (MANE Select); coding-DNA position 1523, C replaced by T.
Protein change: p.Ala508Val; replaces alanine 508 with valine.
Molecular consequence: missense variant.
Genome position (GRCh38, 1-based): chr15:88,847,336, C>T. VCF-style: chr15-88847336-C-T. GRCh37 (hg19) VCF-style: chr15-89390567-C-T.
Other names: c.1523C>T, p.Ala508Val (NM_001135.4, NM_013227.4); short protein forms A508V.
Identifiers: ClinVar variation 1376209 (VCV001376209.6), dbSNP rs2141585874, ClinGen allele CA393710685.
Genomic context (GRCh38, chr15:88,847,336, plus strand): 5'-GCTACTCGCTGACCTTTGAGGAGGCACAGCAGGCCTGCCTGCGCACGGGGGCGGTCATTG[C>T]CTCGCCGGAGCAGCTCCAGGCCGCCTACGAAGCAGGCTATGAGCAGTGTGACGCCGGCTG-3'
Protein context (NP_001356197.1, residues 498-518): QACLRTGAVI[Ala508Val]SPEQLQAAYE